The following is an entry in ClinVar:

ClinVar aggregate classification (germline): Benign/Likely benign. Review status: criteria provided, multiple submitters, no conflicts (2 of 4 stars). 15 submissions from 14 submitters: Benign (9); Likely benign (4). 2 of the submissions do not count toward it. Last evaluated 2026-09-01.

Conditions:
Connective tissue disorder. Also called: Connective tissue disease. Identifiers: MedGen C0009782, MONDO:0003900.
Adams-Oliver syndrome 5 (AOS5). Identifiers: Orphanet 974, MedGen C4014970, MONDO:0014459, OMIM 616028.
Familial thoracic aortic aneurysm and aortic dissection (TAAD). Also called: Thoracic aortic aneurysms and dissections. Identifiers: Orphanet 91387, MedGen C4707243, MONDO:0019625.
Aortic valve disease 1 (AOVD1). Identifiers: MedGen C3887892, MONDO:0024523, OMIM 109730.

Allele frequency attached by ClinVar (database versions not stated): 1000 Genomes Project 0.00080; 1000 Genomes Project 30x 0.00109; TOPMed 0.00290; ESP Exome Variant Server 0.00303; ExAC 0.00325; gnomAD 0.00341.
gnomAD v4.1: 7,263 of 1,613,022 alleles (0.45%); highest among the groups gnomAD compares: Non-Finnish European, 0.55%; 25 homozygotes.

Submissions (15):

CeGaT Center for Human Genetics Tuebingen
Classification: Likely benign. Last evaluated: 2026-09-01. Review status: criteria provided, single submitter. Criteria: CeGaT Center For Human Genetics Tuebingen Variant Classification Criteria Version 2. Collection method: clinical testing. Allele origin: germline. Affected: yes. Observed: 19 variant alleles.
Comment: NOTCH1: BP4, BP7, BS2

Labcorp Genetics (formerly Invitae), Labcorp
Classification: Benign for Adams-Oliver syndrome 5. Last evaluated: 2026-02-04. Review status: criteria provided, single submitter. Criteria: Invitae Variant Classification Sherloc (09022015). Collection method: clinical testing. Allele origin: germline.

ARUP Laboratories, Molecular Genetics and Genomics, ARUP Laboratories
Classification: Benign. Last evaluated: 2025-01-21. Review status: criteria provided, single submitter. Criteria: ARUP Molecular Germline Variant Investigation Process 2024. Collection method: clinical testing. Allele origin: germline.

Mayo Clinic Laboratories, Mayo Clinic
Classification: Benign. Last evaluated: 2023-09-06. Review status: criteria provided, single submitter. Criteria: ACMG Guidelines, 2015. Collection method: clinical testing. Allele origin: germline. Observed: 8 variant alleles.
Comment: BS1, BS2

Women's Health and Genetics/Laboratory Corporation of America, LabCorp
Classification: Benign. Last evaluated: 2023-07-21. Review status: criteria provided, single submitter. Criteria: LabCorp Variant Classification Summary - May 2015. Collection method: clinical testing. Allele origin: germline.

Genome-Nilou Lab
Classification: Benign for Adams-Oliver syndrome 5. Last evaluated: 2022-03-15. Review status: criteria provided, single submitter. Criteria: ACMG Guidelines, 2015. Collection method: clinical testing. Allele origin: germline. Affected: no.

Genome-Nilou Lab
Classification: Benign for Aortic valve disease 1. Last evaluated: 2022-03-15. Review status: criteria provided, single submitter. Criteria: ACMG Guidelines, 2015. Collection method: clinical testing. Allele origin: germline. Affected: no.

GeneDx
Classification: Benign. Last evaluated: 2018-01-24. Review status: criteria provided, single submitter. Criteria: GeneDx Variant Classification (06012015). Collection method: clinical testing. Allele origin: germline. Affected: yes.
Comment: This variant is considered likely benign or benign based on one or more of the following criteria: it is a conservative change, it occurs at a poorly conserved position in the protein, it is predicted to be benign by multiple in silico algorithms, and/or has population frequency not consistent with disease.

CHEO Genetics Diagnostic Laboratory, Children's Hospital of Eastern Ontario
Classification: Benign for Familial thoracic aortic aneurysm and aortic dissection. Last evaluated: 2017-11-29. Review status: criteria provided, single submitter. Criteria: ACMG Guidelines, 2015. Collection method: clinical testing. Allele origin: germline.

Eurofins Ntd Llc (ga)
Classification: Benign. Last evaluated: 2017-04-06. Review status: criteria provided, single submitter. Criteria: EGL Classification Definitions 2015. Collection method: clinical testing. Allele origin: germline. Observed: 1 variant allele, 1 heterozygote.

Center for Human Genetics, Inc
Classification: Likely benign for Connective tissue disorder. Last evaluated: 2016-11-01. Review status: criteria provided, single submitter. Criteria: ACMG Guidelines, 2015. Collection method: clinical testing. Allele origin: germline. Affected: yes.

Ambry Genetics
Classification: Likely benign for Familial thoracic aortic aneurysm and aortic dissection. Last evaluated: 2015-02-20. Review status: criteria provided, single submitter. Criteria: Ambry Variant Classification Scheme 2023. Collection method: clinical testing. Allele origin: germline.

Breakthrough Genomics
Classification: Likely benign. Review status: criteria provided, single submitter. Criteria: ACMG Guidelines, 2015. Collection method: not provided. Allele origin: germline. Inheritance: Autosomal dominant inheritance. Affected: yes.

Clinical Genetics DNA and cytogenetics Diagnostics Lab, Erasmus MC, Erasmus Medical Center
Classification: Likely benign. Review status: no assertion criteria provided. Collection method: clinical testing. Allele origin: germline. Affected: yes. Study: VKGL Data-share Consensus. Not counted in ClinVar's aggregate classification.

Genome Diagnostics Laboratory, Amsterdam University Medical Center
Classification: Likely benign. Review status: no assertion criteria provided. Collection method: clinical testing. Allele origin: germline. Affected: yes. Study: VKGL Data-share Consensus. Not counted in ClinVar's aggregate classification.

Literature cited by the submitters: PubMed 24943832 (cited by Women's Health and Genetics/Laboratory Corporation of America, LabCorp); PubMed 16614245 (cited by Women's Health and Genetics/Laboratory Corporation of America, LabCorp); PubMed 21670202 (cited by Women's Health and Genetics/Laboratory Corporation of America, LabCorp); PubMed 22210878 (cited by Women's Health and Genetics/Laboratory Corporation of America, LabCorp); PubMed 19635999 (cited by Women's Health and Genetics/Laboratory Corporation of America, LabCorp); PubMed 26837699 (cited by Women's Health and Genetics/Laboratory Corporation of America, LabCorp); PubMed 23086750 (cited by Women's Health and Genetics/Laboratory Corporation of America, LabCorp); PubMed 19245433 (cited by Women's Health and Genetics/Laboratory Corporation of America, LabCorp); PubMed 22077063 (cited by Women's Health and Genetics/Laboratory Corporation of America, LabCorp); PubMed 15472075 (cited by Women's Health and Genetics/Laboratory Corporation of America, LabCorp); PubMed 23734977 (cited by Women's Health and Genetics/Laboratory Corporation of America, LabCorp); PubMed 22858860 (cited by Women's Health and Genetics/Laboratory Corporation of America, LabCorp).

NM_017617.5(NOTCH1):c.5073G>A (p.Gln1691=)

Gene: NOTCH1 (notch receptor 1; minus strand). Cytogenetic location: 9q34.3.
Variant type: single nucleotide variant.
Coding change: c.5073G>A on transcript NM_017617.5 (MANE Select); coding-DNA position 5073, G replaced by A.
Protein change: p.Gln1691=; no amino-acid change (glutamine 1691 retained).
Molecular consequence: synonymous variant.
Genome position (GRCh38, 1-based): chr9:136,503,276, C>T on the plus strand (G>A on the coding strand, the complement: NOTCH1 is on the minus strand). VCF-style: chr9-136503276-C-T. GRCh37 (hg19) VCF-style: chr9-139397728-C-T.
Other names: p.Gln1691=; c.5073G>A (NM_017617.4); c.5073G>A, p.Gln1691= (LRG_1122t1).
Identifiers: ClinVar variation 241146 (VCV000241146.60), dbSNP rs61751538, ClinGen allele CA5340447.